The following is an entry in ClinVar:

NM_001017420.3(ESCO2):c.118_119del (p.Asn39_Ser40insTer)

Gene: ESCO2 (establishment of sister chromatid cohesion N-acetyltransferase 2; plus strand). Cytogenetic location: 8p21.1.
Variant type: Deletion.
Coding change: c.118_119del on transcript NM_001017420.3 (MANE Select); coding-DNA positions 118 to 119, 2 bases deleted (AG; older notation c.118_119delAG).
Protein change: p.Asn39_Ser40insTer.
Molecular consequence: nonsense.
Genome position (GRCh38, 1-based): chr8:27,776,426-27,776,427, AG deleted. VCF-style (leftmost placement, unchanged base first): chr8-27776425-CAG-C. GRCh37 (hg19) VCF-style: chr8-27633942-CAG-C.
Identifiers: ClinVar variation 3015828 (VCV003015828.4), dbSNP rs1804790650, ClinGen allele CA1772944802.
Genomic context (GRCh38, chr8:27,776,425, plus strand): 5'-TTTACACTTCACTGAAAATCTGTTTCCATCACCTAATAAAAAGCACTGTTTTTATCAAAA[CAG>C]TGATAAAAATGAAGAAAACCTGCATTGCTCTCAACAAGAGCATTTTGTTTTAAGTGCGCT-3'

ClinVar aggregate classification (germline): Pathogenic/Likely pathogenic. Review status: criteria provided, multiple submitters, no conflicts (2 of 4 stars). 2 submissions from 2 submitters: Pathogenic (1); Likely pathogenic (1). Last evaluated 2025-11-12.

Conditions:
Roberts-SC phocomelia syndrome (RBS). Also called: ESCO2 Spectrum Disorder; Hypomelia hypotrichosis facial hemangioma syndrome; LONG BONE DEFICIENCIES ASSOCIATED WITH CLEFT LIP-PALATE; Pseudothalidomide syndrome; Appelt-Gerken-Lenz syndrome. Identifiers: Orphanet 3103, MedGen C0392475, MONDO:0100253, OMIM 268300.
Juberg-Hayward syndrome (JHS). Also called: Cleft lip/palate with abnormal thumbs and microcephaly; OROCRANIODIGITAL SYNDROME. Identifiers: Orphanet 2319, MedGen C0796099, MONDO:0008992, OMIM 216100.

Allele frequency attached by ClinVar (database versions not stated): gnomAD exomes below 0.00001.

Submissions (2):

Labcorp Genetics (formerly Invitae), Labcorp
Classification: Pathogenic. Last evaluated: 2025-11-12. Review status: criteria provided, single submitter. Criteria: Invitae Variant Classification Sherloc (09022015). Collection method: clinical testing. Allele origin: germline.
Comment: This sequence change creates a premature translational stop signal (p.Ser40*) in the ESCO2 gene. It is expected to result in an absent or disrupted protein product. Loss-of-function variants in ESCO2 are known to be pathogenic (PMID: 15821733, 16380922). This variant is not present in population databases (gnomAD no frequency). This variant has not been reported in the literature in individuals affected with ESCO2-related conditions. ClinVar contains an entry for this variant (Variation ID: 3015828). For these reasons, this variant has been classified as Pathogenic.

Fulgent Genetics
Classification: Likely pathogenic for Juberg-Hayward syndrome; Roberts-SC phocomelia syndrome. Last evaluated: 2024-06-19. Review status: criteria provided, single submitter. Criteria: ACMG Guidelines, 2015. Collection method: clinical testing. Allele origin: germline.

Literature cited by the submitters: PubMed 15821733 (cited by Labcorp Genetics (formerly Invitae), Labcorp); PubMed 16380922 (cited by Labcorp Genetics (formerly Invitae), Labcorp).